The following is an entry in ClinVar:

ClinVar aggregate classification (germline): Conflicting classifications of pathogenicity. Review status: criteria provided, conflicting classifications (1 of 4 stars). 4 submissions from 4 submitters: Pathogenic (1); Likely pathogenic (2); Uncertain significance (1). Last evaluated 2025-09-25.

Conditions:
CC2D2A-related disorder. Also called: CC2D2A-related disorders; CC2D2A-related condition. Identifiers: MedGen CN239313.
Meckel-Gruber syndrome. Also called: Dysencephalia splachnocystica; DYSENCEPHALIA SPLANCHNOCYSTICA; GRUBER SYNDROME. Identifiers: Orphanet 564, MedGen C0265215, MONDO:0018921.
Joubert syndrome. Also called: JOUBERT-BOLTSHAUSER SYNDROME; Familial aplasia of the vermis. Identifiers: Orphanet 475, MedGen C5979921, MONDO:0018772.

Allele frequency attached by ClinVar (database versions not stated): gnomAD 0.00001; gnomAD exomes 0.00001; TOPMed 0.00002.
gnomAD v4.1: 19 of 1,607,982 alleles (0.0012%); highest among the groups gnomAD compares: Non-Finnish European, 0.0016%; no homozygotes.

Submissions (4):

Women's Health and Genetics/Laboratory Corporation of America, LabCorp
Classification: Uncertain significance. Last evaluated: 2025-09-25. Review status: criteria provided, single submitter. Criteria: LabCorp Variant Classification Summary - May 2015. Collection method: clinical testing. Allele origin: germline.
Comment: Variant summary: CC2D2A c.4550C>G (p.Thr1517Ser) results in a conservative amino acid change in the encoded protein sequence. Algorithms developed to predict the effect of missense changes on protein structure and function are either unavailable or do not agree on the potential impact of this missense change. The variant allele was found at a frequency of 8.1e-06 in 246472 control chromosomes. The available data on variant occurrences in the general population are insufficient to allow any conclusion about variant significance. c.4550C>G has been observed in the presumed compound heterozygous state in at least 1 individual(s) affected with clinical features of Meckel Syndrome Type 6 (Jones_2014). These data do not allow any conclusion about variant significance. To our knowledge, no experimental evidence demonstrating an impact on protein function has been reported. The following publications have been ascertained in the context of this evaluation (PMID: 33486889, 31964843, 24706459, 31577543, 30267408, 34821546). ClinVar contains an entry for this variant (Variation ID: 372317). Based on the evidence outlined above, the variant was classified as uncertain significance.

Labcorp Genetics (formerly Invitae), Labcorp
Classification: Pathogenic for Joubert syndrome; Meckel-Gruber syndrome. Last evaluated: 2024-10-30. Review status: criteria provided, single submitter. Criteria: Invitae Variant Classification Sherloc (09022015). Collection method: clinical testing. Allele origin: germline.
Comment: This sequence change replaces threonine, which is neutral and polar, with serine, which is neutral and polar, at codon 1517 of the CC2D2A protein (p.Thr1517Ser). This variant is present in population databases (rs780673487, gnomAD 0.0009%). This missense change has been observed in individual(s) with Meckel–Gruber syndrome (PMID: 24706459). In at least one individual the data is consistent with being in trans (on the opposite chromosome) from a pathogenic variant. ClinVar contains an entry for this variant (Variation ID: 372317). Invitae Evidence Modeling of protein sequence and biophysical properties (such as structural, functional, and spatial information, amino acid conservation, physicochemical variation, residue mobility, and thermodynamic stability) indicates that this missense variant is expected to disrupt CC2D2A protein function with a positive predictive value of 80%. For these reasons, this variant has been classified as Pathogenic.

Blueprint Genetics
Classification: Likely pathogenic for CC2D2A-related disorders. Last evaluated: 2023-09-16. Review status: criteria provided, single submitter. Criteria: ACMG Guidelines, 2015. Collection method: clinical testing. Allele origin: germline. Affected: yes. Observed: 5 variant alleles.

GeneDx
Classification: Likely pathogenic. Last evaluated: 2016-09-14. Review status: criteria provided, single submitter. Criteria: GeneDx Variant Classification (06012015). Collection method: clinical testing. Allele origin: germline. Affected: yes.
Comment: The Thr1517Ser missense change has not been published as a mutation or a benign variant, to our knowledge. The amino acid substitution is conservative as both Threonine and Serine are uncharged, polar amino acid residues. However, it alters a highly conserved residue in the C-terminal domain of the protein and other missense mutations in this region have been reported in association with CC2D2A- related disorders. In addition, in silico analysis predicts that Thr1517Ser likely has a damaging effect on protein structure/function. Therefore, based on the currently available information, Thr1517Ser is a strong candidate for a disease-causing mutation, although the possibility that it is a benign variant cannot be excluded.

Literature cited by the submitters: PubMed 31964843 (cited by Women's Health and Genetics/Laboratory Corporation of America, LabCorp); PubMed 33486889 (cited by Women's Health and Genetics/Laboratory Corporation of America, LabCorp); PubMed 24706459 (cited by Women's Health and Genetics/Laboratory Corporation of America, LabCorp and Labcorp Genetics (formerly Invitae), Labcorp); PubMed 31577543 (cited by Women's Health and Genetics/Laboratory Corporation of America, LabCorp); PubMed 30267408 (cited by Women's Health and Genetics/Laboratory Corporation of America, LabCorp); PubMed 34821546 (cited by Women's Health and Genetics/Laboratory Corporation of America, LabCorp).

NM_001378615.1(CC2D2A):c.4550C>G (p.Thr1517Ser)

Genes: CC2D2A (coiled-coil and C2 domain containing 2A; plus strand), FBXL5 (F-box and leucine rich repeat protein 5; minus strand). Cytogenetic location: 4p15.32.
Variant type: single nucleotide variant.
Coding change: c.4550C>G on transcript NM_001378615.1 (MANE Select); coding-DNA position 4550, C replaced by G.
Protein change: p.Thr1517Ser; replaces threonine 1517 with serine.
Molecular consequence: missense variant.
Genome position (GRCh38, 1-based): chr4:15,599,582, C>G. VCF-style: chr4-15599582-C-G. GRCh37 (hg19) VCF-style: chr4-15601205-C-G.
Other names: c.4550C>G, p.Thr1517Ser (NM_001080522.2); c.4403C>G, p.Thr1468Ser (NM_001378617.1); short protein forms T1517S, T1468S.
Identifiers: ClinVar variation 372317 (VCV000372317.11), dbSNP rs780673487, ClinGen allele CA16042485.
Genomic context (GRCh38, chr4:15,599,582, plus strand): 5'-TGAACAGGATTGAAAAAATACTAAAAGAAAAAATCATGGACTGGAGGCCACGCCATCTGA[C>G]TCGGTGGAATAGGTATTGTACCTCTACTCTGCGTCACTTCTTGCCTCTGTTAGAAAAAAG-3'
Protein context (NP_001365544.1, residues 1507-1527): KIMDWRPRHL[Thr1517Ser]RWNRYCTSTL